The following is an entry in ClinVar:

NM_005787.6(ALG3):c.929A>G (p.His310Arg)

Gene: ALG3 (ALG3 alpha-1,3- mannosyltransferase; minus strand). Cytogenetic location: 3q27.1.
Variant type: single nucleotide variant.
Coding change: c.929A>G on transcript NM_005787.6 (MANE Select); coding-DNA position 929, A replaced by G.
Protein change: p.His310Arg; replaces histidine 310 with arginine.
Molecular consequence: missense variant. On other transcripts: non-coding transcript variant (2).
Genome position (GRCh38, 1-based): chr3:184,243,794, T>C on the plus strand (A>G on the coding strand, the complement: ALG3 is on the minus strand). VCF-style: chr3-184243794-T-C. GRCh37 (hg19) VCF-style: chr3-183961582-T-C.
Other names: c.785A>G, p.His262Arg (NM_001006941.2); short protein forms H310R, H262R.
Identifiers: ClinVar variation 1487042 (VCV001487042.6), dbSNP rs2108440580, ClinGen allele CA355418443.

ClinVar aggregate classification (germline): Uncertain significance (1 of 4 stars; one submission).

Conditions:
ALG3-congenital disorder of glycosylation. Also called: CARBOHYDRATE-DEFICIENT GLYCOPROTEIN SYNDROME, TYPE IV; CDGS, TYPE IV; CONGENITAL DISORDER OF GLYCOSYLATION, TYPE Id; CDG Id; ALG3-CDG. Identifiers: Orphanet 79321, MedGen C1832736, MONDO:0010998, OMIM 601110.

Submission:

Labcorp Genetics (formerly Invitae), Labcorp
Classification: Uncertain significance for ALG3-congenital disorder of glycosylation. Last evaluated: 2021-08-28. Review status: criteria provided, single submitter. Criteria: Invitae Variant Classification Sherloc (09022015). Collection method: clinical testing. Allele origin: germline.
Comment: Algorithms developed to predict the effect of missense changes on protein structure and function (SIFT, PolyPhen-2, Align-GVGD) all suggest that this variant is likely to be tolerated. In summary, the available evidence is currently insufficient to determine the role of this variant in disease. Therefore, it has been classified as a Variant of Uncertain Significance. This variant has not been reported in the literature in individuals affected with ALG3-related conditions. This sequence change replaces histidine with arginine at codon 310 of the ALG3 protein (p.His310Arg). The histidine residue is moderately conserved and there is a small physicochemical difference between histidine and arginine. This variant is not present in population databases (ExAC no frequency).